The following is an entry in ClinVar:

NM_005585.5(SMAD6):c.389C>G (p.Ser130Trp)

Gene: SMAD6 (SMAD family member 6; plus strand). Cytogenetic location: 15q22.31.
Variant type: single nucleotide variant.
Coding change: c.389C>G on transcript NM_005585.5 (MANE Select); coding-DNA position 389, C replaced by G.
Protein change: p.Ser130Trp; replaces serine 130 with tryptophan.
Molecular consequence: missense variant. On other transcripts: non-coding transcript variant (1).
Genome position (GRCh38, 1-based): chr15:66,703,647, C>G. VCF-style: chr15-66703647-C-G. GRCh37 (hg19) VCF-style: chr15-66995985-C-G.
Other names: short protein forms S130W.
Identifiers: ClinVar variation 4698709 (VCV004698709.1).

ClinVar aggregate classification (germline): Uncertain significance (1 of 4 stars; one submission).

Conditions:
Aortic valve disease 2 (AOVD2). Identifiers: MedGen C3542024, MONDO:0013902, OMIM 614823.

gnomAD v4.1: 1 of 1,231,800 alleles (0.000081%); no homozygotes.

Submission:

Labcorp Genetics (formerly Invitae), Labcorp
Classification: Uncertain significance for Aortic valve disease 2. Last evaluated: 2026-01-20. Review status: criteria provided, single submitter. Criteria: Invitae Variant Classification Sherloc (09022015). Collection method: clinical testing. Allele origin: germline.
Comment: This sequence change replaces serine, which is neutral and polar, with tryptophan, which is neutral and slightly polar, at codon 130 of the SMAD6 protein (p.Ser130Trp). This variant is not present in population databases (gnomAD no frequency). This variant has not been reported in the literature in individuals affected with SMAD6-related conditions. An algorithm developed to predict the effect of missense changes on protein structure and function (PolyPhen-2) suggests that this variant is likely to be disruptive. In summary, the available evidence is currently insufficient to determine the role of this variant in disease. Therefore, it has been classified as a Variant of Uncertain Significance.